The following is an entry in ClinVar:

ClinVar aggregate classification (germline): Uncertain significance (1 of 4 stars; one submission).

Allele frequency attached by ClinVar (database versions not stated): gnomAD exomes below 0.00001; gnomAD 0.00001; TOPMed 0.00001.
gnomAD v4.1: 8 of 1,613,196 alleles (0.0005%); highest among the groups gnomAD compares: African/African-American, 0.0027%; no homozygotes.

Submission:

Labcorp Genetics (formerly Invitae), Labcorp
Classification: Uncertain significance. Last evaluated: 2022-02-08. Review status: criteria provided, single submitter. Criteria: Invitae Variant Classification Sherloc (09022015). Collection method: clinical testing. Allele origin: germline.
Comment: In summary, the available evidence is currently insufficient to determine the role of this variant in disease. Therefore, it has been classified as a Variant of Uncertain Significance. Algorithms developed to predict the effect of missense changes on protein structure and function (SIFT, PolyPhen-2, Align-GVGD) all suggest that this variant is likely to be tolerated. This variant has not been reported in the literature in individuals affected with SLC22A12-related conditions. This sequence change replaces methionine, which is neutral and non-polar, with threonine, which is neutral and polar, at codon 22 of the SLC22A12 protein (p.Met22Thr). This variant is not present in population databases (gnomAD no frequency).

NM_144585.4(SLC22A12):c.65T>C (p.Met22Thr)

Gene: SLC22A12 (solute carrier family 22 member 12; plus strand). Cytogenetic location: 11q13.1.
Variant type: single nucleotide variant.
Coding change: c.65T>C on transcript NM_144585.4 (MANE Select); coding-DNA position 65, T replaced by C.
Protein change: p.Met22Thr; replaces methionine 22 with threonine.
Molecular consequence: missense variant. On other transcripts: intron variant (1).
Genome position (GRCh38, 1-based): chr11:64,591,621, T>C. VCF-style: chr11-64591621-T-C. GRCh37 (hg19) VCF-style: chr11-64359093-T-C.
Other names: c.65T>C, p.Met22Thr (NM_001276326.2, NM_001276327.2); c.-406-38T>C (NM_153378.3); short protein forms M22T.
Identifiers: ClinVar variation 1936806 (VCV001936806.5), dbSNP rs1242495900, ClinGen allele CA381114320.